The following is an entry in ClinVar:

ClinVar aggregate classification (germline): Uncertain significance. Review status: criteria provided, multiple submitters, no conflicts (2 of 4 stars). 2 submissions from 2 submitters: Uncertain significance (2). Last evaluated 2025-01-13.

Conditions:
Inborn genetic diseases. Identifiers: MedGen C0950123, MeSH D030342.

Allele frequency attached by ClinVar (database versions not stated): gnomAD exomes below 0.00001.
gnomAD v4.1: 1 of 1,614,088 alleles (0.000062%); highest among the groups gnomAD compares: Non-Finnish European, 0.000085%; no homozygotes.

Submissions (2):

Ambry Genetics
Classification: Uncertain significance for Inborn genetic diseases. Last evaluated: 2025-01-13. Review status: criteria provided, single submitter. Criteria: Ambry Variant Classification Scheme 2023. Collection method: clinical testing. Allele origin: germline.
Comment: The p.K747R variant (also known as c.2240A>G), located in coding exon 8 of the MECOM gene, results from an A to G substitution at nucleotide position 2240. The lysine at codon 747 is replaced by arginine, an amino acid with highly similar properties. This amino acid position is conserved. In addition, this alteration is predicted to be tolerated by in silico analysis. Based on the available evidence, the clinical significance of this variant remains unclear.

Labcorp Genetics (formerly Invitae), Labcorp
Classification: Uncertain significance. Last evaluated: 2023-09-08. Review status: criteria provided, single submitter. Criteria: Invitae Variant Classification Sherloc (09022015). Collection method: clinical testing. Allele origin: germline.
Comment: An algorithm developed to predict the effect of missense changes on protein structure and function (PolyPhen-2) suggests that this variant is likely to be tolerated. In summary, the available evidence is currently insufficient to determine the role of this variant in disease. Therefore, it has been classified as a Variant of Uncertain Significance. This variant has not been reported in the literature in individuals affected with MECOM-related conditions. This variant is not present in population databases (gnomAD no frequency). This sequence change replaces lysine, which is basic and polar, with arginine, which is basic and polar, at codon 559 of the MECOM protein (p.Lys559Arg).

NM_004991.4(MECOM):c.2240A>G (p.Lys747Arg)

Gene: MECOM (MDS1 and EVI1 complex locus; minus strand). Cytogenetic location: 3q26.2.
Variant type: single nucleotide variant.
Coding change: c.2240A>G on transcript NM_004991.4 (MANE Select); coding-DNA position 2240, A replaced by G.
Protein change: p.Lys747Arg; replaces lysine 747 with arginine.
Molecular consequence: missense variant.
Genome position (GRCh38, 1-based): chr3:169,115,632, T>C on the plus strand (A>G on the coding strand, the complement: MECOM is on the minus strand). VCF-style: chr3-169115632-T-C. GRCh37 (hg19) VCF-style: chr3-168833420-T-C.
Other names: c.1871A>G, p.Lys624Arg (NM_001105077.4); c.1676A>G, p.Lys559Arg (NM_001105078.4, NM_001164000.2, NM_001205194.2 and 4 more transcripts); c.1679A>G, p.Lys560Arg (NM_001163999.2, NM_001366467.2, NM_001366468.2 and 1 more transcripts); c.2240A>G, p.Lys747Arg (NM_001366466.2); c.1268A>G, p.Lys423Arg (NM_001366473.2); c.704A>G, p.Lys235Arg (NM_001366474.2); c.2240A>G (NM_004991.3); short protein forms K559R, K560R, K624R, K423R, K747R, K235R.
Identifiers: ClinVar variation 2758885 (VCV002758885.4), dbSNP rs2549404536, ClinGen allele CA355085348.